The following is an entry in ClinVar:

NM_002016.2(FLG):c.9284A>G (p.Gln3095Arg)

Genes: CCDST (cervical cancer associated DHX9 suppressive transcript; plus strand), FLG (filaggrin; minus strand). Cytogenetic location: 1q21.3.
Variant type: single nucleotide variant.
Coding change: c.9284A>G on transcript NM_002016.2 (MANE Select); coding-DNA position 9284, A replaced by G.
Protein change: p.Gln3095Arg; replaces glutamine 3095 with arginine.
Molecular consequence: missense variant.
Genome position (GRCh38, 1-based): chr1:152,305,602, T>C on the plus strand (A>G on the coding strand, the complement: FLG is on the minus strand). VCF-style: chr1-152305602-T-C. GRCh37 (hg19) VCF-style: chr1-152278078-T-C.
Other names: short protein forms Q3095R.
Identifiers: ClinVar variation 2393733 (VCV002393733.24), dbSNP rs140327514, ClinGen allele CA1103877.
Genomic context (GRCh38, chr1:152,305,602, plus strand): 5'-CCCGGGTGTCCACGAATGGTGTCCTGACCGTATTGGGATGCTGAGTGCCTGGAGCTGTCT[T>C]GTGCCTGCTCATGGCGGGATCCTTGTCTTCCTCTAGTGCTGGGCCCCGTCCATCCATGGG-3'
Protein context (NP_002007.1, residues 3085-3105): GRQGSRHEQA[Gln3095Arg]DSSRHSASQY

ClinVar aggregate classification (germline): Likely benign. Review status: criteria provided, multiple submitters, no conflicts (2 of 4 stars). 2 submissions from 2 submitters: Likely benign (2). Last evaluated 2024-01-01.

Conditions:
Inborn genetic diseases. Identifiers: MedGen C0950123, MeSH D030342.

Allele frequency attached by ClinVar (database versions not stated): ESP Exome Variant Server 0.00016; gnomAD 0.00020; ExAC 0.00025; gnomAD exomes 0.00036.
gnomAD v4.1: 526 of 1,498,848 alleles (0.035%); highest among the groups gnomAD compares: Non-Finnish European, 0.044%; 76 homozygotes.

Submissions (2):

CeGaT Center for Human Genetics Tuebingen
Classification: Likely benign. Last evaluated: 2024-01-01. Review status: criteria provided, single submitter. Criteria: CeGaT Center For Human Genetics Tuebingen Variant Classification Criteria Version 2. Collection method: clinical testing. Allele origin: germline. Affected: yes. Observed: 1 variant allele.
Comment: FLG: BP4, BS2

Ambry Genetics
Classification: Likely benign for Inborn genetic diseases. Last evaluated: 2022-11-08. Review status: criteria provided, single submitter. Criteria: Ambry Variant Classification Scheme 2023. Collection method: clinical testing. Allele origin: germline.